The following is an entry in ClinVar:

ClinVar aggregate classification (germline): Pathogenic (1 of 4 stars; one submission).

Conditions:
Hereditary fructosuria. Also called: ALDOB DEFICIENCY; ALDOLASE B DEFICIENCY; FRUCTOSE-1,6-BISPHOSPHATE ALDOLASE B DEFICIENCY; FRUCTOSE-1-PHOSPHATE ALDOLASE DEFICIENCY; FRUCTOSEMIA; Fructose intolerance. Identifiers: Orphanet 469, MedGen C0016751, MONDO:0009249, OMIM 229600, HP:0005973. Disease mechanism: loss of function.

Submission:

Labcorp Genetics (formerly Invitae), Labcorp
Classification: Pathogenic for Hereditary fructosuria. Last evaluated: 2021-08-21. Review status: criteria provided, single submitter. Criteria: Invitae Variant Classification Sherloc (09022015). Collection method: clinical testing. Allele origin: germline.
Comment: This variant is a gross deletion of the genomic region encompassing exon(s) 2-6 of the ALDOB gene, which includes the initiator codon. This deletion extends beyond the assayed region for this gene and therefore may encompass additional genes. It is expected to result in an absent or disrupted protein product. Loss-of-function variants in ALDOB are known to be pathogenic (PMID: 18541450). A similar copy number variant has been observed in individuals with fructose intolerance (PMID: 20848650, 22494545, 23430936). This variant is also known as g.7840_14288del6448. For these reasons, this variant has been classified as Pathogenic.

Literature cited by the submitters: PubMed 18541450; PubMed 20848650; PubMed 22494545; PubMed 23430936.

NC_000009.11:g.(?_104188817)_(104193189_?)del

Gene: ALDOB (aldolase, fructose-bisphosphate B; minus strand). Cytogenetic location: 9q31.1.
Variant type: Deletion.
Identifiers: ClinVar variation 1073061 (VCV001073061.2).